The following is an entry in ClinVar:

NM_012295.4(CABIN1):c.2688C>T (p.His896=)

Gene: CABIN1 (calcineurin binding protein 1; plus strand). Cytogenetic location: 22q11.23.
Variant type: single nucleotide variant.
Coding change: c.2688C>T on transcript NM_012295.4 (MANE Select); coding-DNA position 2688, C replaced by T.
Protein change: p.His896=; no amino-acid change (histidine 896 retained).
Molecular consequence: synonymous variant.
Genome position (GRCh38, 1-based): chr22:24,076,224, C>T. VCF-style: chr22-24076224-C-T. GRCh37 (hg19) VCF-style: chr22-24472173-C-T.
Other names: c.2688C>T, p.His896= (NM_001199281.1); c.2538C>T, p.His846= (NM_001201429.2).
Identifiers: ClinVar variation 1234413 (VCV001234413.6), dbSNP rs58044582, ClinGen allele CA10148966.

ClinVar aggregate classification (germline): Benign. Review status: criteria provided, multiple submitters, no conflicts (2 of 4 stars). 3 submissions from 3 submitters: Benign (2). 1 of the submissions does not count toward it. Last evaluated 2021-05-04.

Conditions:
CABIN1-related disorder. Also called: CABIN1-related condition.

Allele frequency attached by ClinVar (database versions not stated): 1000 Genomes Project 30x 0.03998; 1000 Genomes Project 0.04293; gnomAD exomes 0.00876 and 0.01694; ESP Exome Variant Server 0.01007; gnomAD 0.01443 and 0.01630; TOPMed 0.01589; ExAC 0.01659.
gnomAD v4.1: 15,504 of 1,614,078 alleles (0.96%); highest among the groups gnomAD compares: East Asian, 17%; 813 homozygotes.

Submissions (3):

GeneDx
Classification: Benign. Last evaluated: 2021-05-04. Review status: criteria provided, single submitter. Criteria: GeneDx Variant Classification Process June 2021. Collection method: clinical testing. Allele origin: germline. Affected: yes.

Breakthrough Genomics
Classification: Benign. Review status: criteria provided, single submitter. Criteria: ACMG Guidelines, 2015. Collection method: not provided. Allele origin: germline. Inheritance: Unknown mechanism. Affected: yes.

PreventionGenetics, part of Exact Sciences
Classification: Benign for CABIN1-related condition. Last evaluated: 2020-01-13. Review status: no assertion criteria provided. Collection method: clinical testing. Allele origin: germline. Not counted in ClinVar's aggregate classification.
Comment: This variant is classified as benign based on ACMG/AMP sequence variant interpretation guidelines (Richards et al. 2015 PMID: 25741868, with internal and published modifications).